The following is an entry in ClinVar:

NM_175614.5(NDUFA11):c.310C>T (p.Arg104Cys)

Gene: NDUFA11 (NADH:ubiquinone oxidoreductase subunit A11; minus strand). Cytogenetic location: 19p13.3.
Variant type: single nucleotide variant.
Coding change: c.310C>T on transcript NM_175614.5 (MANE Select); coding-DNA position 310, C replaced by T.
Protein change: p.Arg104Cys; replaces arginine 104 with cysteine.
Molecular consequence: missense variant. On other transcripts: non-coding transcript variant (1).
Genome position (GRCh38, 1-based): chr19:5,896,456, G>A on the plus strand (C>T on the coding strand, the complement: NDUFA11 is on the minus strand). VCF-style: chr19-5896456-G-A. GRCh37 (hg19) VCF-style: chr19-5896467-G-A.
Other names: c.310C>T, p.Arg104Cys (NM_001193375.3); c.310C>T (NM_001193375.1); short protein forms R104C.
Identifiers: ClinVar variation 2170252 (VCV002170252.4), dbSNP rs773239975, ClinGen allele CA9118949.

ClinVar aggregate classification (germline): Uncertain significance. Review status: criteria provided, multiple submitters, no conflicts (2 of 4 stars). 2 submissions from 2 submitters: Uncertain significance (2). Last evaluated 2022-11-17.

Allele frequency attached by ClinVar (database versions not stated): TOPMed 0.00003; gnomAD exomes 0.00004; gnomAD 0.00006.
gnomAD v4.1: 72 of 1,571,000 alleles (0.0046%); highest among the groups gnomAD compares: East Asian, 0.0069%; 1 homozygote.

Submissions (2):

Ambry Genetics
Classification: Uncertain significance. Last evaluated: 2022-11-17. Review status: criteria provided, single submitter. Criteria: Ambry Variant Classification Scheme 2023. Collection method: clinical testing. Allele origin: germline.

Labcorp Genetics (formerly Invitae), Labcorp
Classification: Uncertain significance. Last evaluated: 2022-03-01. Review status: criteria provided, single submitter. Criteria: Invitae Variant Classification Sherloc (09022015). Collection method: clinical testing. Allele origin: germline.
Comment: In summary, the available evidence is currently insufficient to determine the role of this variant in disease. Therefore, it has been classified as a Variant of Uncertain Significance. Algorithms developed to predict the effect of missense changes on protein structure and function (SIFT, PolyPhen-2, Align-GVGD) all suggest that this variant is likely to be disruptive. This variant has not been reported in the literature in individuals affected with NDUFA11-related conditions. This variant is present in population databases (rs773239975, gnomAD 0.01%). This sequence change replaces arginine, which is basic and polar, with cysteine, which is neutral and slightly polar, at codon 104 of the NDUFA11 protein (p.Arg104Cys).